The following is an entry in ClinVar:

NM_004656.4(BAP1):c.1051A>G (p.Thr351Ala)

Gene: BAP1 (BRCA1 associated deubiquitinase 1; minus strand). Cytogenetic location: 3p21.1.
Variant type: single nucleotide variant.
Coding change: c.1051A>G on transcript NM_004656.4 (MANE Select); coding-DNA position 1051, A replaced by G.
Protein change: p.Thr351Ala; replaces threonine 351 with alanine.
Molecular consequence: missense variant.
Genome position (GRCh38, 1-based): chr3:52,405,175, T>C on the plus strand (A>G on the coding strand, the complement: BAP1 is on the minus strand). VCF-style: chr3-52405175-T-C. GRCh37 (hg19) VCF-style: chr3-52439191-T-C.
Other names: c.997A>G, p.Thr333Ala (NM_001410772.1); short protein forms T351A, T333A.
Identifiers: ClinVar variation 2710536 (VCV002710536.4), dbSNP rs755502655, ClinGen allele CA353105744.

ClinVar aggregate classification (germline): Uncertain significance. Review status: criteria provided, multiple submitters, no conflicts (2 of 4 stars). 2 submissions from 2 submitters: Uncertain significance (2). Last evaluated 2024-01-21.

Conditions:
Hereditary cancer-predisposing syndrome. Also called: Neoplastic Syndromes, Hereditary; Tumor predisposition; Hereditary Cancer Syndrome; Hereditary neoplastic syndrome. Identifiers: Orphanet 140162, MedGen C0027672, MeSH D009386, MONDO:0015356.
BAP1-related tumor predisposition syndrome (TPDS1). Also called: Tumor susceptibility linked to germline BAP1 mutations; COMMON Syndrome; TUMOR PREDISPOSITION SYNDROME 1; BAP1 tumor predisposition syndrome. Identifiers: Orphanet 289539, MedGen C3280492, MONDO:0013692, OMIM 614327.

Submissions (2):

Labcorp Genetics (formerly Invitae), Labcorp
Classification: Uncertain significance for BAP1-related tumor predisposition syndrome. Last evaluated: 2024-01-21. Review status: criteria provided, single submitter. Criteria: Invitae Variant Classification Sherloc (09022015). Collection method: clinical testing. Allele origin: germline.
Comment: This sequence change replaces threonine, which is neutral and polar, with alanine, which is neutral and non-polar, at codon 351 of the BAP1 protein (p.Thr351Ala). This variant is not present in population databases (gnomAD no frequency). This variant has not been reported in the literature in individuals affected with BAP1-related conditions. Advanced modeling of protein sequence and biophysical properties (such as structural, functional, and spatial information, amino acid conservation, physicochemical variation, residue mobility, and thermodynamic stability) performed at Invitae indicates that this missense variant is not expected to disrupt BAP1 protein function with a negative predictive value of 80%. In summary, the available evidence is currently insufficient to determine the role of this variant in disease. Therefore, it has been classified as a Variant of Uncertain Significance.

Ambry Genetics
Classification: Uncertain significance for Hereditary cancer-predisposing syndrome. Last evaluated: 2023-10-25. Review status: criteria provided, single submitter. Criteria: Ambry Variant Classification Scheme 2023. Collection method: clinical testing. Allele origin: germline.
Comment: The p.T351A variant (also known as c.1051A>G), located in coding exon 11 of the BAP1 gene, results from an A to G substitution at nucleotide position 1051. The threonine at codon 351 is replaced by alanine, an amino acid with similar properties. This amino acid position is conserved. In addition, this alteration is predicted to be tolerated by in silico analysis. Since supporting evidence is limited at this time, the clinical significance of this alteration remains unclear.